The following is an entry in ClinVar:

ClinVar aggregate classification (germline): Uncertain significance (1 of 4 stars; one submission).

Allele frequency attached by ClinVar (database versions not stated): gnomAD exomes 0.00002 and 0.00003; TOPMed 0.00003; ESP Exome Variant Server 0.00008.
gnomAD v4.1: 47 of 1,611,736 alleles (0.0029%); highest among the groups gnomAD compares: Middle Eastern, 0.033%; no homozygotes.

Submission:

Labcorp Genetics (formerly Invitae), Labcorp
Classification: Uncertain significance. Last evaluated: 2023-12-26. Review status: criteria provided, single submitter. Criteria: Invitae Variant Classification Sherloc (09022015). Collection method: clinical testing. Allele origin: germline.
Comment: This sequence change replaces isoleucine, which is neutral and non-polar, with valine, which is neutral and non-polar, at codon 628 of the FCHO1 protein (p.Ile628Val). This variant is present in population databases (rs372256567, gnomAD 0.005%). This variant has not been reported in the literature in individuals affected with FCHO1-related conditions. ClinVar contains an entry for this variant (Variation ID: 1410951). Algorithms developed to predict the effect of missense changes on protein structure and function output the following: SIFT: "Not Available"; PolyPhen-2: "Benign"; Align-GVGD: "Not Available". The valine amino acid residue is found in multiple mammalian species, which suggests that this missense change does not adversely affect protein function. In summary, the available evidence is currently insufficient to determine the role of this variant in disease. Therefore, it has been classified as a Variant of Uncertain Significance.

NM_015122.3(FCHO1):c.1882A>G (p.Ile628Val)

Gene: FCHO1 (FCH and mu domain containing endocytic adaptor 1; plus strand). Cytogenetic location: 19p13.11.
Variant type: single nucleotide variant.
Coding change: c.1882A>G on transcript NM_015122.3 (MANE Select); coding-DNA position 1882, A replaced by G.
Protein change: p.Ile628Val; replaces isoleucine 628 with valine.
Molecular consequence: missense variant. On other transcripts: non-coding transcript variant (36).
Genome position (GRCh38, 1-based): chr19:17,781,765, A>G. VCF-style: chr19-17781765-A-G. GRCh37 (hg19) VCF-style: chr19-17892574-A-G.
Other names: c.1882A>G, p.Ile628Val (NM_001384375.1, NM_001384376.1, NM_001384377.1 and 13 more transcripts); c.1732A>G, p.Ile578Val (NM_001384384.1, NM_001384385.1, NM_001384386.1 and 1 more transcripts); c.1843A>G, p.Ile615Val (NM_001384388.1, NM_001384389.1, NM_001384405.1); c.1807A>G, p.Ile603Val (NM_001384390.1); c.1765A>G, p.Ile589Val (NM_001384392.1, NM_001384393.1, NM_001384394.1 and 1 more transcripts); c.1606A>G, p.Ile536Val (NM_001384396.1, NM_001384397.1, NM_001384398.1 and 5 more transcripts); c.1561A>G, p.Ile521Val (NM_001384403.1); c.1456A>G, p.Ile486Val (NM_001384406.1); and 1 more; short protein forms I615V, I438V, I536V, I628V, I486V, I589V, I603V, I521V.
Identifiers: ClinVar variation 1410951 (VCV001410951.6), dbSNP rs372256567, ClinGen allele CA306119082.